The following is an entry in ClinVar:

ClinVar aggregate classification (germline): Uncertain significance (1 of 4 stars; one submission).

Submission:

Labcorp Genetics (formerly Invitae), Labcorp
Classification: Uncertain significance. Last evaluated: 2022-10-17. Review status: criteria provided, single submitter. Criteria: Invitae Variant Classification Sherloc (09022015). Collection method: clinical testing. Allele origin: unknown.
Comment: This variant results in a copy number gain of the genomic region encompassing exon(s) 1 of the KIF11 gene. This region includes the initiator codon of the gene. This copy number gain extends beyond the assayed region for this gene and therefore may encompass additional genes. As the precise location of this event is unknown, it may be in tandem or it may be located elsewhere in the genome. This variant has not been reported in the literature in individuals affected with KIF11-related conditions. In summary, the available evidence is currently insufficient to determine the role of this variant in disease. Therefore, it has been classified as a Variant of Uncertain Significance.

NC_000010.10:g.(?_94353133)_(94353229_?)dup

Gene: KIF11 (kinesin family member 11; plus strand). Cytogenetic location: 10q23.33.
Variant type: Duplication.
Identifiers: ClinVar variation 3244971 (VCV003244971.1).